The following is an entry in ClinVar:

NM_001040436.3(YARS2):c.1103+18T>C

Gene: YARS2 (tyrosyl-tRNA synthetase 2; minus strand). Cytogenetic location: 12p11.21.
Variant type: single nucleotide variant.
Coding change: c.1103+18T>C on transcript NM_001040436.3 (MANE Select); 18 bases into the intron after coding-DNA position 1103, T replaced by C.
Molecular consequence: intron variant.
Genome position (GRCh38, 1-based): chr12:32,750,701, A>G on the plus strand (T>C on the coding strand, the complement: YARS2 is on the minus strand). VCF-style: chr12-32750701-A-G. GRCh37 (hg19) VCF-style: chr12-32903635-A-G.
Identifiers: ClinVar variation 137936 (VCV000137936.11), dbSNP rs190343859, ClinGen allele CA291655.

ClinVar aggregate classification (germline): Benign. Review status: criteria provided, multiple submitters, no conflicts (2 of 4 stars). 4 submissions from 4 submitters: Benign (4). Last evaluated 2026-02-04.

Conditions:
Myopathy, lactic acidosis, and sideroblastic anemia 2 (MLASA2). Identifiers: Orphanet 2598, MedGen C3150802, MONDO:0013307, OMIM 613561.

Allele frequency attached by ClinVar (database versions not stated): 1000 Genomes Project 0.00319; 1000 Genomes Project 30x 0.00375; gnomAD 0.00559 and 0.00622; ExAC 0.00607; gnomAD exomes 0.00609 and 0.00802; TOPMed 0.00631; ESP Exome Variant Server 0.00738.

Submissions (4):

Labcorp Genetics (formerly Invitae), Labcorp
Classification: Benign. Last evaluated: 2026-02-04. Review status: criteria provided, single submitter. Criteria: Invitae Variant Classification Sherloc (09022015). Collection method: clinical testing. Allele origin: germline.

Genome-Nilou Lab
Classification: Benign for Myopathy, lactic acidosis, and sideroblastic anemia 2. Last evaluated: 2021-12-05. Review status: criteria provided, single submitter. Criteria: ACMG Guidelines, 2015. Collection method: clinical testing. Allele origin: germline. Affected: no.

GeneDx
Classification: Benign. Last evaluated: 2014-03-28. Review status: criteria provided, single submitter. Criteria: GeneDx Variant Classification (06012015). Collection method: clinical testing. Allele origin: germline. Affected: yes.
Comment: This variant is considered likely benign or benign based on one or more of the following criteria: it is a conservative change, it occurs at a poorly conserved position in the protein, it is predicted to be benign by multiple in silico algorithms, and/or has population frequency not consistent with disease.

Breakthrough Genomics
Classification: Benign. Review status: criteria provided, single submitter. Criteria: ACMG Guidelines, 2015. Collection method: not provided. Allele origin: germline. Inheritance: Autosomal recessive inheritance. Affected: yes.